The following is an entry in ClinVar:

NM_024675.4(PALB2):c.986T>C (p.Leu329Pro)

Gene: PALB2 (partner and localizer of BRCA2; minus strand). Cytogenetic location: 16p12.2.
Variant type: single nucleotide variant.
Coding change: c.986T>C on transcript NM_024675.4 (MANE Select); coding-DNA position 986, T replaced by C.
Protein change: p.Leu329Pro; replaces leucine 329 with proline.
Molecular consequence: missense variant.
Genome position (GRCh38, 1-based): chr16:23,635,560, A>G on the plus strand (T>C on the coding strand, the complement: PALB2 is on the minus strand). VCF-style: chr16-23635560-A-G. GRCh37 (hg19) VCF-style: chr16-23646881-A-G.
Other names: short protein forms L329P.
Identifiers: ClinVar variation 1402090 (VCV001402090.8), dbSNP rs2142429260, ClinGen allele CA395134754.

ClinVar aggregate classification (germline): Uncertain significance (1 of 4 stars; one submission).

Conditions:
Familial cancer of breast. Also called: hereditary breast carcinoma; BREAST CANCER, FAMILIAL; Hereditary breast cancer. Identifiers: Orphanet 227535, MedGen C0346153, MONDO:0016419, OMIM 114480. Disease mechanism: loss of function.

Submission:

Labcorp Genetics (formerly Invitae), Labcorp
Classification: Uncertain significance for Familial cancer of breast. Last evaluated: 2022-08-22. Review status: criteria provided, single submitter. Criteria: Invitae Variant Classification Sherloc (09022015). Collection method: clinical testing. Allele origin: germline.
Comment: In summary, the available evidence is currently insufficient to determine the role of this variant in disease. Therefore, it has been classified as a Variant of Uncertain Significance. Algorithms developed to predict the effect of missense changes on protein structure and function (SIFT, PolyPhen-2, Align-GVGD) all suggest that this variant is likely to be tolerated. ClinVar contains an entry for this variant (Variation ID: 1402090). This variant has not been reported in the literature in individuals affected with PALB2-related conditions. This variant is not present in population databases (gnomAD no frequency). This sequence change replaces leucine, which is neutral and non-polar, with proline, which is neutral and non-polar, at codon 329 of the PALB2 protein (p.Leu329Pro).